The following is an entry in ClinVar:

ClinVar aggregate classification (germline): Benign/Likely benign. Review status: criteria provided, multiple submitters, no conflicts (2 of 4 stars). 8 submissions from 8 submitters: Benign (2); Likely benign (5). 1 of the submissions does not count toward it. Last evaluated 2026-01-17.

Conditions:
ATM-related disorder. Also called: ATM-related disorders; ATM-related condition.
Hereditary cancer-predisposing syndrome. Also called: Neoplastic Syndromes, Hereditary; Hereditary Cancer Syndrome; Tumor predisposition; Hereditary neoplastic syndrome. Identifiers: Orphanet 140162, MedGen C0027672, MeSH D009386, MONDO:0015356.
Familial cancer of breast. Also called: Hereditary breast cancer; BREAST CANCER, FAMILIAL; hereditary breast carcinoma. Identifiers: Orphanet 227535, MedGen C0346153, MONDO:0016419, OMIM 114480. Disease mechanism: loss of function.
Ataxia-telangiectasia syndrome (AT). Also called: LOUIS-BAR SYNDROME; Cerebello-oculocutaneous telangiectasia; Immunodeficiency with ataxia telangiectasia; Ataxia-telangiectasia, complementation group D; AT, COMPLEMENTATION GROUP C; Ataxia-telangiectasia, complementation group E. Identifiers: Orphanet 100, MedGen C0004135, MONDO:0008840, OMIM 208900.

Allele frequency attached by ClinVar (database versions not stated): gnomAD exomes 0.00001 and 0.00002; ExAC 0.00004.
gnomAD v4.1: 9 of 1,611,986 alleles (0.00056%); highest among the groups gnomAD compares: South Asian, 0.0099%; no homozygotes.

Submissions (8):

Labcorp Genetics (formerly Invitae), Labcorp
Classification: Likely benign for Ataxia-telangiectasia syndrome. Last evaluated: 2026-01-17. Review status: criteria provided, single submitter. Criteria: Invitae Variant Classification Sherloc (09022015). Collection method: clinical testing. Allele origin: germline.

KCCC/NGS Laboratory, Kuwait Cancer Control Center
Classification: Benign for Familial cancer of breast. Last evaluated: 2025-02-01. Review status: criteria provided, single submitter. Criteria: ACMG Guidelines, 2015. Collection method: clinical testing. Allele origin: germline. Affected: no.

Myriad Genetics, Inc.
Classification: Benign for Familial cancer of breast. Last evaluated: 2024-06-05. Review status: criteria provided, single submitter. Criteria: Myriad Autosomal Dominant, Autosomal Recessive and X-Linked Classification Criteria (2023). Collection method: clinical testing. Allele origin: unknown.
Comment: This variant is considered benign. This variant is a silent/synonymous amino acid change and it is not expected to impact splicing.

Women's Health and Genetics/Laboratory Corporation of America, LabCorp
Classification: Likely benign. Last evaluated: 2022-08-18. Review status: criteria provided, single submitter. Criteria: LabCorp Variant Classification Summary - May 2015. Collection method: clinical testing. Allele origin: germline.

Sema4
Classification: Likely benign for Hereditary cancer-predisposing syndrome. Last evaluated: 2021-08-09. Review status: criteria provided, single submitter. Criteria: Sema4 Curation Guidelines. Collection method: curation. Allele origin: germline.

Color Diagnostics, LLC DBA Color Health
Classification: Likely benign for Hereditary cancer-predisposing syndrome. Last evaluated: 2017-02-13. Review status: criteria provided, single submitter. Criteria: ACMG Guidelines, 2015. Collection method: clinical testing. Allele origin: germline.

Ambry Genetics
Classification: Likely benign for Hereditary cancer-predisposing syndrome. Last evaluated: 2016-07-20. Review status: criteria provided, single submitter. Criteria: Ambry Variant Classification Scheme 2023. Collection method: clinical testing. Allele origin: germline.

PreventionGenetics, part of Exact Sciences
Classification: Likely benign for ATM-related condition. Last evaluated: 2023-03-29. Review status: no assertion criteria provided. Collection method: clinical testing. Allele origin: germline. Not counted in ClinVar's aggregate classification.
Comment: This variant is classified as likely benign based on ACMG/AMP sequence variant interpretation guidelines (Richards et al. 2015 PMID: 25741868, with internal and published modifications).

NM_000051.4(ATM):c.6219C>G (p.Leu2073=)

Genes: ATM (ATM serine/threonine kinase; plus strand), C11orf65 (chromosome 11 open reading frame 65; minus strand). Cytogenetic location: 11q22.3.
Variant type: single nucleotide variant.
Coding change: c.6219C>G on transcript NM_000051.4 (MANE Select); coding-DNA position 6219, C replaced by G.
Protein change: p.Leu2073=; no amino-acid change (leucine 2073 retained).
Molecular consequence: synonymous variant. On other transcripts: intron variant (2).
Genome position (GRCh38, 1-based): chr11:108,317,393, C>G. VCF-style: chr11-108317393-C-G. GRCh37 (hg19) VCF-style: chr11-108188120-C-G.
Other names: c.6219C>G, p.Leu2073= (NM_001351834.2); c.641-8322G>C (NM_001330368.2); c.*39-8322G>C (NM_001351110.2).
Identifiers: ClinVar variation 482622 (VCV000482622.23), dbSNP rs752478345, ClinGen allele CA6265896.